The following is an entry in ClinVar:

ClinVar aggregate classification (germline): Uncertain significance (1 of 4 stars; one submission).

Conditions:
Bethlem myopathy 1A. Also called: MYOPATHY, BENIGN CONGENITAL, WITH CONTRACTURES; Bethlem myopathy 1; Bethlem Muscular Dystrophy. Identifiers: Orphanet 610, MedGen CN029274, MONDO:0024530, OMIM 158810.

Allele frequency attached by ClinVar (database versions not stated): ESP Exome Variant Server 0.00008.

Submission:

Labcorp Genetics (formerly Invitae), Labcorp
Classification: Uncertain significance for Bethlem myopathy 1A. Last evaluated: 2022-09-01. Review status: criteria provided, single submitter. Criteria: Invitae Variant Classification Sherloc (09022015). Collection method: clinical testing. Allele origin: germline.
Comment: In summary, the available evidence is currently insufficient to determine the role of this variant in disease. Therefore, it has been classified as a Variant of Uncertain Significance. Variants that disrupt the consensus splice site are a relatively common cause of aberrant splicing (PMID: 17576681, 9536098). Algorithms developed to predict the effect of sequence changes on RNA splicing suggest that this variant may disrupt the consensus splice site. This variant has not been reported in the literature in individuals affected with COL6A2-related conditions. This variant is not present in population databases (gnomAD no frequency). This sequence change affects codon 590 of the COL6A2 mRNA. It is a 'silent' change, meaning that it does not change the encoded amino acid sequence of the COL6A2 protein. This variant also falls at the last nucleotide of exon 23, which is part of the consensus splice site for this exon.

Literature cited by the submitters: PubMed 17576681; PubMed 9536098.

NM_001849.4(COL6A2):c.1770G>T (p.Thr590=)

Gene: COL6A2 (collagen type VI alpha 2 chain; plus strand). Cytogenetic location: 21q22.3.
Variant type: single nucleotide variant.
Coding change: c.1770G>T on transcript NM_001849.4 (MANE Select); coding-DNA position 1770, G replaced by T.
Protein change: p.Thr590=; no amino-acid change (threonine 590 retained).
Molecular consequence: synonymous variant.
Genome position (GRCh38, 1-based): chr21:46,124,920, G>T. VCF-style: chr21-46124920-G-T. GRCh37 (hg19) VCF-style: chr21-47544834-G-T.
Other names: c.1770G>T, p.Thr590= (NM_058174.3, NM_058175.3).
Identifiers: ClinVar variation 1969472 (VCV001969472.5), dbSNP rs150999832, ClinGen allele CA10072177.
Genomic context (GRCh38, chr21:46,124,920, plus strand): 5'-CTCAGCCTCATCCTTCCTTCCCCAGGGTGAGCCCGGCCCCCCTGGAGACCCCGGTCTCAC[G>T]GTAGGTGTCACATGGGGCAGAACCAGTGTCCTTCTCCTGCCAAAACTAGACACCAAGAGC-3'
Protein context (NP_001840.3, residues 580-600): EPGPPGDPGL[Thr590=]ECDVMTYVRE